The following is an entry in ClinVar:

NM_001177316.2(SLC34A3):c.1400T>G (p.Leu467Arg)

Gene: SLC34A3 (solute carrier family 34 member 3; plus strand). Cytogenetic location: 9q34.3.
Variant type: single nucleotide variant.
Coding change: c.1400T>G on transcript NM_001177316.2 (MANE Select); coding-DNA position 1400, T replaced by G.
Protein change: p.Leu467Arg; replaces leucine 467 with arginine.
Molecular consequence: missense variant.
Genome position (GRCh38, 1-based): chr9:137,236,016, T>G. VCF-style: chr9-137236016-T-G. GRCh37 (hg19) VCF-style: chr9-140130468-T-G.
Other names: c.1400T>G, p.Leu467Arg (NM_001177317.2, NM_080877.3); short protein forms L467R.
Identifiers: ClinVar variation 845880 (VCV000845880.10), dbSNP rs1836573983, ClinGen allele CA375740479.

ClinVar aggregate classification (germline): Uncertain significance (1 of 4 stars; one submission).

Submission:

Labcorp Genetics (formerly Invitae), Labcorp
Classification: Uncertain significance. Last evaluated: 2020-01-27. Review status: criteria provided, single submitter. Criteria: Invitae Variant Classification Sherloc (09022015). Collection method: clinical testing. Allele origin: germline.
Comment: This sequence change replaces leucine with arginine at codon 467 of the SLC34A3 protein (p.Leu467Arg). The leucine residue is highly conserved and there is a moderate physicochemical difference between leucine and arginine. This variant is not present in population databases (ExAC no frequency). This variant has not been reported in the literature in individuals with SLC34A3-related conditions. Algorithms developed to predict the effect of missense changes on protein structure and function are either unavailable or do not agree on the potential impact of this missense change (SIFT: "Deleterious"; PolyPhen-2: "Probably Damaging"; Align-GVGD: "Class C0"). In summary, the available evidence is currently insufficient to determine the role of this variant in disease. Therefore, it has been classified as a Variant of Uncertain Significance.